The following is an entry in ClinVar:

NM_005045.4(RELN):c.10101C>T (p.Asn3367=)

Genes: RELN (reelin; minus strand), SLC26A5-AS1 (SLC26A5 antisense RNA 1; plus strand). Cytogenetic location: 7q22.1.
Variant type: single nucleotide variant.
Coding change: c.10101C>T on transcript NM_005045.4 (MANE Select); coding-DNA position 10101, C replaced by T.
Protein change: p.Asn3367=; no amino-acid change (asparagine 3367 retained).
Molecular consequence: synonymous variant.
Genome position (GRCh38, 1-based): chr7:103,483,733, G>A on the plus strand (C>T on the coding strand, the complement: RELN is on the minus strand). VCF-style: chr7-103483733-G-A. GRCh37 (hg19) VCF-style: chr7-103124180-G-A.
Other names: c.10101C>T, p.Asn3367= (NM_173054.3).
Identifiers: ClinVar variation 390300 (VCV000390300.10), dbSNP rs757164573, ClinGen allele CA4420052.

ClinVar aggregate classification (germline): Likely benign. Review status: criteria provided, multiple submitters, no conflicts (2 of 4 stars). 2 submissions from 2 submitters: Likely benign (2). Last evaluated 2024-07-11.

Conditions:
Norman-Roberts syndrome (LIS2). Also called: Lissencephaly 2 (Norman-Roberts type). Identifiers: Orphanet 89844, MedGen C0796089, MONDO:0009760, OMIM 257320.
Familial temporal lobe epilepsy 7. Identifiers: Orphanet 101046, MedGen C4225327, MONDO:0014639, OMIM 616436.

Allele frequency attached by ClinVar (database versions not stated): gnomAD exomes 0.00002; ExAC 0.00003; gnomAD 0.00003 and 0.00004; TOPMed 0.00003.
gnomAD v4.1: 25 of 1,614,036 alleles (0.0015%); highest among the groups gnomAD compares: Middle Eastern, 0.016%; no homozygotes.

Submissions (2):

Labcorp Genetics (formerly Invitae), Labcorp
Classification: Likely benign for Familial temporal lobe epilepsy 7; Norman-Roberts syndrome. Last evaluated: 2024-07-11. Review status: criteria provided, single submitter. Criteria: Invitae Variant Classification Sherloc (09022015). Collection method: clinical testing. Allele origin: germline.

GeneDx
Classification: Likely benign. Last evaluated: 2016-10-27. Review status: criteria provided, single submitter. Criteria: GeneDx Variant Classification (06012015). Collection method: clinical testing. Allele origin: germline. Affected: yes.
Comment: This variant is considered likely benign or benign based on one or more of the following criteria: it is a conservative change, it occurs at a poorly conserved position in the protein, it is predicted to be benign by multiple in silico algorithms, and/or has population frequency not consistent with disease.